The following is an entry in ClinVar:

ClinVar aggregate classification (germline): Conflicting classifications of pathogenicity. Review status: criteria provided, conflicting classifications (1 of 4 stars). 5 submissions from 5 submitters: Uncertain significance (3); Likely benign (1). 1 of the submissions does not count toward it. Last evaluated 2026-08-07.

Conditions:
Nemaline myopathy 2 (NEM2). Also called: Nemaline myopathy 2, autosomal recessive. Identifiers: MedGen C1850569, MONDO:0009725, OMIM 256030.
NEB-related disorder. Also called: NEB-related condition; NEB-Related Disorders.

Allele frequency attached by ClinVar (database versions not stated): gnomAD exomes 0.00002 and 0.00005; ExAC 0.00010; gnomAD 0.00023 and 0.00025; TOPMed 0.00031; ESP Exome Variant Server 0.00040.
gnomAD v4.1: 71 of 1,613,000 alleles (0.0044%); highest among the groups gnomAD compares: African/African-American, 0.064%; no homozygotes.

Submissions (5):

PreventionGenetics, part of Exact Sciences
Classification: Uncertain significance for NEB-related condition. Last evaluated: 2026-08-07. Review status: criteria provided, single submitter. Criteria: ACMG Guidelines, 2015. Collection method: clinical testing. Allele origin: germline.
Comment: The NEB c.17838G>A variant is not predicted to result in an amino acid change (p.=). To our knowledge, this variant has not been reported in the literature. This variant is reported in 0.054% of alleles in individuals of African descent in gnomAD. At this time, the clinical significance of this variant is uncertain due to the absence of conclusive functional and genetic evidence.

Labcorp Genetics (formerly Invitae), Labcorp
Classification: Likely benign for Nemaline myopathy 2. Last evaluated: 2025-12-26. Review status: criteria provided, single submitter. Criteria: Invitae Variant Classification Sherloc (09022015). Collection method: clinical testing. Allele origin: germline.

GeneDx
Classification: Uncertain significance. Last evaluated: 2025-03-20. Review status: criteria provided, single submitter. Criteria: GeneDx Variant Classification Process June 2021. Collection method: clinical testing. Allele origin: germline. Affected: yes.
Comment: Has not been previously published as pathogenic or benign to our knowledge; In silico analysis suggests this variant may impact gene splicing. In the absence of RNA/functional studies, the actual effect of this sequence change is unknown.

Eurofins Ntd Llc (ga)
Classification: Uncertain significance. Last evaluated: 2015-12-28. Review status: criteria provided, single submitter. Criteria: EGL Classification Definitions 2015. Collection method: clinical testing. Allele origin: germline. Observed: 1 variant allele, 1 heterozygote.

Natera, Inc.
Classification: Likely benign for Nemaline myopathy type 2. Last evaluated: 2020-09-28. Review status: no assertion criteria provided. Collection method: clinical testing. Allele origin: germline. Not counted in ClinVar's aggregate classification.

NM_001164508.2(NEB):c.17838G>A (p.Gln5946=)

Gene: NEB (nebulin; minus strand). Cytogenetic location: 2q23.3.
Variant type: single nucleotide variant.
Coding change: c.17838G>A on transcript NM_001164508.2 (MANE Select); coding-DNA position 17838, G replaced by A.
Protein change: p.Gln5946=; no amino-acid change (glutamine 5946 retained).
Molecular consequence: synonymous variant.
Genome position (GRCh38, 1-based): chr2:151,568,077, C>T on the plus strand (G>A on the coding strand, the complement: NEB is on the minus strand). VCF-style: chr2-151568077-C-T. GRCh37 (hg19) VCF-style: chr2-152424591-C-T.
Other names: c.17838G>A, p.Gln5946= (NM_001164507.2, NM_001271208.2); c.12735G>A, p.Gln4245= (NM_004543.5).
Identifiers: ClinVar variation 285089 (VCV000285089.23), dbSNP rs376199241, ClinGen allele CA1908096.
Genomic context (GRCh38, chr2:151,568,077, plus strand): 5'-CCCTGGGAGCAAGGTCCCACTTTTGCAAAATGCACTCCCATCAGGATGTATTACCTCACT[C>T]TGAACGTCATTGCAGTGATGGGCATGAACAAATGGCACAGCATCTGGAGGCAAAATGTAA-3'
Protein context (NP_001157980.2, residues 5936-5956): FVHAHHCNDV[Gln5946=]SELKYKAEHV